The following is an entry in ClinVar:

NM_002528.7(NTHL1):c.134G>T (p.Ser45Ile)

Gene: NTHL1 (nth like DNA glycosylase 1; minus strand). Cytogenetic location: 16p13.3.
Variant type: single nucleotide variant.
Coding change: c.134G>T on transcript NM_002528.7 (MANE Select); coding-DNA position 134, G replaced by T.
Protein change: p.Ser45Ile; replaces serine 45 with isoleucine.
Molecular consequence: missense variant. On other transcripts: 5 prime UTR variant (1).
Genome position (GRCh38, 1-based): chr16:2,046,348, C>A on the plus strand (G>T on the coding strand, the complement: NTHL1 is on the minus strand). VCF-style: chr16-2046348-C-A. GRCh37 (hg19) VCF-style: chr16-2096349-C-A.
Other names: c.134G>T, p.Ser45Ile (NM_001318193.2); c.-45G>T (NM_001318194.2); short protein forms S45I.
Identifiers: ClinVar variation 5025896 (VCV005025896.1).

ClinVar aggregate classification (germline): Uncertain significance (1 of 4 stars; one submission).

Conditions:
Hereditary cancer-predisposing syndrome. Also called: Neoplastic Syndromes, Hereditary; Tumor predisposition; Hereditary neoplastic syndrome; Hereditary Cancer Syndrome. Identifiers: Orphanet 140162, MedGen C0027672, MeSH D009386, MONDO:0015356.

gnomAD v4.1: 1 of 1,606,450 alleles (0.000062%); highest among the groups gnomAD compares: African/African-American, 0.0013%; no homozygotes.

Submission:

Ambry Genetics
Classification: Uncertain significance for Hereditary cancer-predisposing syndrome. Last evaluated: 2026-07-07. Review status: criteria provided, single submitter. Criteria: Ambry Variant Classification Scheme 2023. Collection method: clinical testing. Allele origin: germline.
Comment: The p.S53I variant (also known as c.158G>T), located in coding exon 2 of the NTHL1 gene, results from a G to T substitution at nucleotide position 158. The serine at codon 53 is replaced by isoleucine, an amino acid with dissimilar properties. This amino acid position is conserved. In addition, this alteration is predicted to be tolerated by in silico analysis. Based on the available evidence, the clinical significance of this variant remains unclear.